The following is an entry in ClinVar:

NM_001365276.2(TNXB):c.2291C>G (p.Thr764Arg)

Gene: TNXB (tenascin XB; minus strand). Cytogenetic location: 6p21.33.
Variant type: single nucleotide variant.
Coding change: c.2291C>G on transcript NM_001365276.2 (MANE Select); coding-DNA position 2291, C replaced by G.
Protein change: p.Thr764Arg; replaces threonine 764 with arginine.
Molecular consequence: missense variant.
Genome position (GRCh38, 1-based): chr6:32,095,143, G>C on the plus strand (C>G on the coding strand, the complement: TNXB is on the minus strand). VCF-style: chr6-32095143-G-C. GRCh37 (hg19) VCF-style: chr6-32062920-G-C.
Other names: c.2291C>G, p.Thr764Arg (NM_001428335.1, NM_019105.8); short protein forms T764R.
Identifiers: ClinVar variation 4865834 (VCV004865834.1).

ClinVar aggregate classification (germline): Uncertain significance (1 of 4 stars; one submission).

Conditions:
Cardiovascular phenotype. Identifiers: MedGen CN230736.

gnomAD v4.1: 1 of 1,550,140 alleles (0.000065%); highest among the groups gnomAD compares: Non-Finnish European, 0.000087%; no homozygotes.

Submission:

Ambry Genetics
Classification: Uncertain significance for Cardiovascular phenotype. Last evaluated: 2026-05-14. Review status: criteria provided, single submitter. Criteria: Ambry Variant Classification Scheme 2023. Collection method: clinical testing. Allele origin: germline.
Comment: The p.T764R variant (also known as c.2291C>G), located in coding exon 3 of the TNXB gene, results from a C to G substitution at nucleotide position 2291. The threonine at codon 764 is replaced by arginine, an amino acid with similar properties. This amino acid position is conserved. In addition, the in silico prediction for this alteration is inconclusive. Based on the available evidence, the clinical significance of this variant remains unclear.